The following is an entry in ClinVar:

ClinVar aggregate classification (germline): Uncertain significance (1 of 4 stars; one submission).

Conditions:
Hereditary cancer-predisposing syndrome. Also called: Neoplastic Syndromes, Hereditary; Tumor predisposition; Hereditary neoplastic syndrome; Hereditary Cancer Syndrome. Identifiers: Orphanet 140162, MedGen C0027672, MeSH D009386, MONDO:0015356.

Submission:

Ambry Genetics
Classification: Uncertain significance for Hereditary cancer-predisposing syndrome. Last evaluated: 2026-07-07. Review status: criteria provided, single submitter. Criteria: Ambry Variant Classification Scheme 2023. Collection method: clinical testing. Allele origin: germline.
Comment: The p.N399S variant (also known as c.1196A>G), located in coding exon 12 of the RB1 gene, results from an A to G substitution at nucleotide position 1196. The asparagine at codon 399 is replaced by serine, an amino acid with highly similar properties. This amino acid position is conserved. In addition, this alteration is predicted to be tolerated by in silico analysis. Based on the available evidence, the clinical significance of this variant remains unclear.

NM_000321.3(RB1):c.1196A>G (p.Asn399Ser)

Gene: RB1 (RB transcriptional corepressor 1; plus strand). Cytogenetic location: 13q14.2.
Variant type: single nucleotide variant.
Coding change: c.1196A>G on transcript NM_000321.3 (MANE Select); coding-DNA position 1196, A replaced by G.
Protein change: p.Asn399Ser; replaces asparagine 399 with serine.
Molecular consequence: missense variant.
Genome position (GRCh38, 1-based): chr13:48,373,473, A>G. VCF-style: chr13-48373473-A-G. GRCh37 (hg19) VCF-style: chr13-48947609-A-G.
Other names: c.1196A>G, p.Asn399Ser (NM_001407165.1, NM_001407166.1); short protein forms N399S.
Identifiers: ClinVar variation 5027909 (VCV005027909.1).
Genomic context (GRCh38, chr13:48,373,473, plus strand): 5'-TGAACACTATCCAACAATTAATGATGATTTTAAATTCAGCAAGTGATCAACCTTCAGAAA[A>G]TCTGATTTCCTATTTTAACGTAAGCCATATATGAAACATTATTTATTGTAATATCTTGGC-3'
Protein context (NP_000312.2, residues 389-409): LNSASDQPSE[Asn399Ser]LISYFNNCTV